The following is an entry in ClinVar:

ClinVar aggregate classification (germline): not provided (0 of 4 stars; one submission).

Allele frequency attached by ClinVar (database versions not stated): TOPMed 0.00001.
gnomAD v4.1: 7 of 1,614,242 alleles (0.00043%); highest among the groups gnomAD compares: South Asian, 0.0011%; no homozygotes.

Submission:

ITMI
No classification provided. Condition: AllHighlyPenetrant. Last evaluated: 2013-09-19. Review status: no classification provided. Collection method: reference population. Allele origin: germline.
Comment: Please see associated publication for description of ethnicities

Literature cited by the submitters: PubMed 24728327.

NM_170606.3(KMT2C):c.10163A>G (p.Asn3388Ser)

Gene: KMT2C (lysine methyltransferase 2C; minus strand). Cytogenetic location: 7q36.1.
Variant type: single nucleotide variant.
Coding change: c.10163A>G on transcript NM_170606.3 (MANE Select); coding-DNA position 10163, A replaced by G.
Protein change: p.Asn3388Ser; replaces asparagine 3388 with serine.
Molecular consequence: missense variant.
Genome position (GRCh38, 1-based): chr7:152,163,414, T>C on the plus strand (A>G on the coding strand, the complement: KMT2C is on the minus strand). VCF-style: chr7-152163414-T-C. GRCh37 (hg19) VCF-style: chr7-151860499-T-C.
Other names: short protein forms N3388S.
Identifiers: ClinVar variation 134783 (VCV000134783.1), dbSNP rs200302468, ClinGen allele CA160737.